The following is an entry in ClinVar:

ClinVar aggregate classification (germline): Uncertain significance (1 of 4 stars; one submission).

Conditions:
Alagille syndrome due to a JAG1 point mutation. Also called: Alagille Syndrome 1; JAG1-Related Alagille Syndrome; HEPATIC DUCTULAR HYPOPLASIA, SYNDROMATIC. Identifiers: Orphanet 261619, Orphanet 52, MedGen C1956125, MONDO:0016862, OMIM 118450.

Submission:

Labcorp Genetics (formerly Invitae), Labcorp
Classification: Uncertain significance for Alagille syndrome due to a JAG1 point mutation. Last evaluated: 2022-03-15. Review status: criteria provided, single submitter. Criteria: Invitae Variant Classification Sherloc (09022015). Collection method: clinical testing. Allele origin: germline.
Comment: In summary, the available evidence is currently insufficient to determine the role of this variant in disease. Therefore, it has been classified as a Variant of Uncertain Significance. Advanced modeling of protein sequence and biophysical properties (such as structural, functional, and spatial information, amino acid conservation, physicochemical variation, residue mobility, and thermodynamic stability) performed at Invitae indicates that this missense variant is not expected to disrupt JAG1 protein function. This variant has not been reported in the literature in individuals affected with JAG1-related conditions. This variant is not present in population databases (gnomAD no frequency). This sequence change replaces proline, which is neutral and non-polar, with arginine, which is basic and polar, at codon 1006 of the JAG1 protein (p.Pro1006Arg).

NM_000214.3(JAG1):c.3017C>G (p.Pro1006Arg)

Gene: JAG1 (jagged canonical Notch ligand 1; minus strand). Cytogenetic location: 20p12.2.
Variant type: single nucleotide variant.
Coding change: c.3017C>G on transcript NM_000214.3 (MANE Select); coding-DNA position 3017, C replaced by G.
Protein change: p.Pro1006Arg; replaces proline 1006 with arginine.
Molecular consequence: missense variant.
Genome position (GRCh38, 1-based): chr20:10,641,144, G>C on the plus strand (C>G on the coding strand, the complement: JAG1 is on the minus strand). VCF-style: chr20-10641144-G-C. GRCh37 (hg19) VCF-style: chr20-10621792-G-C.
Other names: short protein forms P1006R.
Identifiers: ClinVar variation 2112565 (VCV002112565.4), dbSNP rs747142039, ClinGen allele CA408244452.